The following is an entry in ClinVar:

ClinVar aggregate classification (germline): Uncertain significance. Review status: criteria provided, multiple submitters, no conflicts (2 of 4 stars). 2 submissions from 2 submitters: Uncertain significance (2). Last evaluated 2025-10-22.

Conditions:
Inborn genetic diseases. Identifiers: MedGen C0950123, MeSH D030342.

Allele frequency attached by ClinVar (database versions not stated): gnomAD exomes 0.00002 and 0.00003; ExAC 0.00003; ESP Exome Variant Server 0.00008; 1000 Genomes Project 30x 0.00016; gnomAD 0.00011; TOPMed 0.00018; 1000 Genomes Project 0.00020.
gnomAD v4.1: 46 of 1,614,016 alleles (0.0029%); highest among the groups gnomAD compares: African/African-American, 0.056%; no homozygotes.

Submissions (2):

Ambry Genetics
Classification: Uncertain significance for Inborn genetic diseases. Last evaluated: 2025-10-22. Review status: criteria provided, single submitter. Criteria: Ambry Variant Classification Scheme 2023. Collection method: clinical testing. Allele origin: germline.

Labcorp Genetics (formerly Invitae), Labcorp
Classification: Uncertain significance. Last evaluated: 2022-10-27. Review status: criteria provided, single submitter. Criteria: Invitae Variant Classification Sherloc (09022015). Collection method: clinical testing. Allele origin: germline.
Comment: This sequence change replaces lysine, which is basic and polar, with asparagine, which is neutral and polar, at codon 86 of the ACBD5 protein (p.Lys86Asn). This variant is present in population databases (rs372800695, gnomAD 0.04%). This variant has not been reported in the literature in individuals affected with ACBD5-related conditions. ClinVar contains an entry for this variant (Variation ID: 1019335). Advanced modeling of protein sequence and biophysical properties (such as structural, functional, and spatial information, amino acid conservation, physicochemical variation, residue mobility, and thermodynamic stability) performed at Invitae indicates that this missense variant is not expected to disrupt ACBD5 protein function. In summary, the available evidence is currently insufficient to determine the role of this variant in disease. Therefore, it has been classified as a Variant of Uncertain Significance.

NM_145698.5(ACBD5):c.258A>T (p.Lys86Asn)

Gene: ACBD5 (acyl-CoA binding domain containing 5; minus strand). Cytogenetic location: 10p12.1.
Variant type: single nucleotide variant.
Coding change: c.258A>T on transcript NM_145698.5 (MANE Select); coding-DNA position 258, A replaced by T.
Protein change: p.Lys86Asn; replaces lysine 86 with asparagine.
Molecular consequence: missense variant. On other transcripts: intron variant (7).
Genome position (GRCh38, 1-based): chr10:27,235,136, T>A on the plus strand (A>T on the coding strand, the complement: ACBD5 is on the minus strand). VCF-style: chr10-27235136-T-A. GRCh37 (hg19) VCF-style: chr10-27524065-T-A.
Other names: c.153A>T, p.Lys51Asn (NM_001042473.4, NM_001352574.2, NM_001352575.2 and 6 more transcripts); c.252A>T, p.Lys84Asn (NM_001271512.3, NM_001352571.1, NM_001352586.1 and 1 more transcripts); c.279A>T, p.Lys93Asn (NM_001352568.1, NM_001352572.1); c.258A>T, p.Lys86Asn (NM_001352569.1, NM_001352570.1, NM_001352573.1 and 2 more transcripts); c.-25-3316A>T (NM_001301253.2, NM_001301251.2, NM_001352583.1 and 4 more transcripts); c.258A>T (NM_145698.3); short protein forms K51N, K84N, K86N, K93N.
Identifiers: ClinVar variation 1019335 (VCV001019335.7), dbSNP rs372800695, ClinGen allele CA5451007.